The following is an entry in ClinVar:

NM_000135.4(FANCA):c.16G>C (p.Val6Leu)

Genes: FANCA (FA complementation group A; minus strand), LOC112486223 (Sharpr-MPRA regulatory region 3988; plus strand). Cytogenetic location: 16q24.3.
Variant type: single nucleotide variant.
Coding change: c.16G>C on transcript NM_000135.4 (MANE Select); coding-DNA position 16, G replaced by C.
Protein change: p.Val6Leu; replaces valine 6 with leucine.
Molecular consequence: missense variant.
Genome position (GRCh38, 1-based): chr16:89,816,600, C>G on the plus strand (G>C on the coding strand, the complement: FANCA is on the minus strand). VCF-style: chr16-89816600-C-G. GRCh37 (hg19) VCF-style: chr16-89883008-C-G.
Other names: c.16G>C, p.Val6Leu (NM_001018112.3, NM_001286167.3, NM_001351830.2); short protein forms V6L.
Identifiers: ClinVar variation 4254280 (VCV004254280.1).

ClinVar aggregate classification (germline): Uncertain significance (1 of 4 stars; one submission).

Conditions:
Inborn genetic diseases. Identifiers: MedGen C0950123, MeSH D030342.

Submission:

Ambry Genetics
Classification: Uncertain significance for Inborn genetic diseases. Last evaluated: 2025-08-10. Review status: criteria provided, single submitter. Criteria: Ambry Variant Classification Scheme 2023. Collection method: clinical testing. Allele origin: germline.
Comment: The p.V6L variant (also known as c.16G>C), located in coding exon 1 of the FANCA gene, results from a G to C substitution at nucleotide position 16. The valine at codon 6 is replaced by leucine, an amino acid with highly similar properties. This amino acid position is conserved. In addition, this alteration is predicted to be tolerated by in silico analysis. Based on the available evidence, the clinical significance of this variant remains unclear.